The following is an entry in ClinVar:

ClinVar aggregate classification (germline): Pathogenic (1 of 4 stars; one submission).

Conditions:
Pyruvate dehydrogenase E1-alpha deficiency (PDHAD). Also called: ATAXIA, INTERMITTENT, WITH PYRUVATE DEHYDROGENASE DEFICIENCY; ATAXIA WITH LACTIC ACIDOSIS I; ATAXIA, INTERMITTENT, WITH ABNORMAL PYRUVATE METABOLISM; Ataxia, intermittent, with pyruvate dehydrogenase, or decarboxylase, deficiency. Identifiers: Orphanet 79243, MedGen C1839413, MONDO:0010717, OMIM 312170.

Submission:

Centre for Inherited Metabolic Diseases, Karolinska University Hospital
Classification: Pathogenic for Pyruvate dehydrogenase E1-alpha deficiency. Last evaluated: 2025-08-06. Review status: criteria provided, single submitter. Criteria: ACMG Guidelines, 2015. Collection method: clinical testing. Allele origin: de novo. Inheritance: X-linked dominant inheritance. Affected: yes. Observed: 1 heterozygote.
Comment: Used criteria: PM2, PS2-supporting (according to ClinGen Sequence Variant Interpretation Recommendation for de novo Criteria (PS2/PM6)), PSV1 according to Tayoun 2019

NM_000284.4(PDHA1):c.934_935insT (p.Ser312fs)

Gene: PDHA1 (pyruvate dehydrogenase E1 subunit alpha 1; plus strand). Cytogenetic location: Xp22.12.
Variant type: Insertion.
Coding change: c.934_935insT on transcript NM_000284.4 (MANE Select); coding-DNA positions 934 to 935, T inserted.
Protein change: p.Ser312fs; shifts the reading frame from serine 312.
Molecular consequence: frameshift variant.
Genome position: GRCh38 VCF-style: chrX-19358950-A-AT. GRCh37 (hg19) VCF-style: chrX-19377068-A-AT.
Other names: c.1048_1049insT, p.Ser350fs (NM_001173454.2); c.955_956insT, p.Ser319fs (NM_001173455.2); c.841_842insT, p.Ser281fs (NM_001173456.2); short protein forms S281fs, S312fs, S319fs, S350fs.
Identifiers: ClinVar variation 4082077 (VCV004082077.1).